The following is an entry in ClinVar:

NM_017636.4(TRPM4):c.250G>T (p.Gly84Cys)

Gene: TRPM4 (transient receptor potential cation channel subfamily M member 4; plus strand). Cytogenetic location: 19q13.33.
Variant type: single nucleotide variant.
Coding change: c.250G>T on transcript NM_017636.4 (MANE Select); coding-DNA position 250, G replaced by T.
Protein change: p.Gly84Cys; replaces glycine 84 with cysteine.
Molecular consequence: missense variant. On other transcripts: 5 prime UTR variant (1), intron variant (2).
Genome position (GRCh38, 1-based): chr19:49,166,198, G>T. VCF-style: chr19-49166198-G-T. GRCh37 (hg19) VCF-style: chr19-49669455-G-T.
Other names: c.250G>T, p.Gly84Cys (NM_001195227.2, NM_001321281.2); c.-1123G>T (NM_001321282.2); c.-74-2062G>T (NM_001321283.2); c.-237-2355G>T (NM_001321285.2); short protein forms G84C.
Identifiers: ClinVar variation 1792382 (VCV001792382.2), dbSNP rs151258293, ClinGen allele CA406789662.

ClinVar aggregate classification (germline): Uncertain significance (1 of 4 stars; one submission).

Conditions:
Cardiovascular phenotype. Identifiers: MedGen CN230736.

Submission:

Ambry Genetics
Classification: Uncertain significance for Cardiovascular phenotype. Last evaluated: 2019-08-06. Review status: criteria provided, single submitter. Criteria: Ambry Variant Classification Scheme 2023. Collection method: clinical testing. Allele origin: germline.
Comment: The p.G84C variant (also known as c.250G>T), located in coding exon 3 of the TRPM4 gene, results from a G to T substitution at nucleotide position 250. The glycine at codon 84 is replaced by cysteine, an amino acid with highly dissimilar properties. This amino acid position is not well conserved in available vertebrate species. In addition, this alteration is predicted to be tolerated by in silico analysis. Since supporting evidence is limited at this time, the clinical significance of this alteration remains unclear.